The following is an entry in ClinVar:

NC_000002.11:g.(?_215595125)_(215595242_?)del

Gene: BARD1 (BRCA1 associated RING domain 1; minus strand). Cytogenetic location: 2q35.
Variant type: Deletion.
Identifiers: ClinVar variation 1497910 (VCV001497910.7).

ClinVar aggregate classification (germline): Likely pathogenic (1 of 4 stars; one submission).

Conditions:
Familial cancer of breast. Also called: hereditary breast carcinoma; Hereditary breast cancer; BREAST CANCER, FAMILIAL. Identifiers: Orphanet 227535, MedGen C0346153, MONDO:0016419, OMIM 114480. Disease mechanism: loss of function.

Submission:

Labcorp Genetics (formerly Invitae), Labcorp
Classification: Likely pathogenic for Familial cancer of breast. Last evaluated: 2021-04-08. Review status: criteria provided, single submitter. Criteria: Invitae Variant Classification Sherloc (09022015). Collection method: clinical testing. Allele origin: germline.
Comment: In summary, the currently available evidence indicates that the variant is pathogenic, but additional data are needed to prove that conclusively. Therefore, this variant has been classified as Likely Pathogenic. This variant disrupts part of the C-terminal BRCT domain of BARD1 protein, which is required for chromosome stability and homology-directed repair (PMID: 17848578). A different variant (p.Val767fs) that lies downstream of this variant has been reported to affect BARD1 protein function (PMID: 30925164), this suggests that disruption of this region of the protein is causative of disease. This variant has not been reported in the literature in individuals with BARD1-related conditions. This variant is a gross deletion of the genomic region encompassing exon(s) 10 of the BARD1 gene. While this deletion is not anticipated to lead to nonsense mediated decay, it is expected to disrupt the C-terminus of the protein.

Literature cited by the submitters: PubMed 17848578; PubMed 30925164.